The following is an entry in ClinVar:

ClinVar aggregate classification (germline): Conflicting classifications of pathogenicity. Review status: criteria provided, conflicting classifications (1 of 4 stars). 5 submissions from 5 submitters: Likely pathogenic (1); Uncertain significance (3). 1 of the submissions does not count toward it. Last evaluated 2025-09-13.

Conditions:
Marfan syndrome (MFS). Also called: Marfan's syndrome; Marfan syndrome, classic; MARFAN SYNDROME, TYPE I; Marfan syndrome type 1; FBN1-Related Marfan Syndrome. Identifiers: Orphanet 284963, Orphanet 558, MedGen C0024796, MONDO:0007947, OMIM 154700.
Familial thoracic aortic aneurysm and aortic dissection (TAAD). Also called: Thoracic aortic aneurysms and dissections. Identifiers: Orphanet 91387, MedGen C4707243, MONDO:0019625.

Allele frequency attached by ClinVar (database versions not stated): TOPMed below 0.00001.
gnomAD v4.1: 7 of 1,612,892 alleles (0.00043%); highest among the groups gnomAD compares: South Asian, 0.0011%; no homozygotes.

Submissions (5):

Color Diagnostics, LLC DBA Color Health
Classification: Uncertain significance for Familial thoracic aortic aneurysm and aortic dissection. Last evaluated: 2025-09-13. Review status: criteria provided, single submitter. Criteria: ACMG Guidelines, 2015. Collection method: clinical testing. Allele origin: germline.
Comment: This missense variant replaces arginine with histidine at codon 2150 of the FBN1 protein. Computational prediction suggests that this variant may have deleterious impact on protein structure and function. To our knowledge, functional studies have not been reported for this variant. This variant has been reported in three individuals affected with thoracic aortic disorders (PMID: 28973303, 29907982, 34498425). This variant has been identified in 1/251030 chromosomes in the general population by the Genome Aggregation Database (gnomAD). The available evidence is insufficient to determine the role of this variant in disease conclusively. Therefore, this variant is classified as a Variant of Uncertain Significance.

Labcorp Genetics (formerly Invitae), Labcorp
Classification: Likely pathogenic for Marfan syndrome; Familial thoracic aortic aneurysm and aortic dissection. Last evaluated: 2025-03-06. Review status: criteria provided, single submitter. Criteria: Invitae Variant Classification Sherloc (09022015). Collection method: clinical testing. Allele origin: germline.
Comment: This sequence change replaces arginine, which is basic and polar, with histidine, which is basic and polar, at codon 2150 of the FBN1 protein (p.Arg2150His). The frequency data for this variant in the population databases is considered unreliable, as metrics indicate poor data quality at this position in the gnomAD database. This missense change has been observed in individuals with clinical features of FBN1-related conditions (PMID: 28973303, 29907982, 34498425). ClinVar contains an entry for this variant (Variation ID: 1753578). Invitae Evidence Modeling of protein sequence and biophysical properties (such as structural, functional, and spatial information, amino acid conservation, physicochemical variation, residue mobility, and thermodynamic stability) indicates that this missense variant is expected to disrupt FBN1 protein function with a positive predictive value of 95%. This variant disrupts the p.Arg2150 amino acid residue in FBN1. Other variant(s) that disrupt this residue have been determined to be pathogenic (internal data). This suggests that this residue is clinically significant, and that variants that disrupt this residue are likely to be disease-causing. In summary, the currently available evidence indicates that the variant is pathogenic, but additional data are needed to prove that conclusively. Therefore, this variant has been classified as Likely Pathogenic.

GeneDx
Classification: Uncertain significance. Last evaluated: 2023-04-28. Review status: criteria provided, single submitter. Criteria: GeneDx Variant Classification Process June 2021. Collection method: clinical testing. Allele origin: germline. Affected: yes.
Comment: Not observed at significant frequency in large population cohorts (gnomAD); In silico analysis supports that this missense variant has a deleterious effect on protein structure/function; Although located in a calcium-binding EGF-like domain of the FBN1 gene, it does not affect a cysteine residue within this domain; cysteine substitutions in the calcium-binding EGF-like domains represent the majority of pathogenic missense changes associated with FBN1-related disorders (Collod-Beroud et al., 2003); This variant is associated with the following publications: (PMID: 12938084, 29907982, 34498425, 28973303)

Ambry Genetics
Classification: Uncertain significance for Familial thoracic aortic aneurysm and aortic dissection. Last evaluated: 2019-04-01. Review status: criteria provided, single submitter. Criteria: Ambry Variant Classification Scheme 2023. Collection method: clinical testing. Allele origin: germline.
Comment: The p.R2150H variant (also known as c.6449G>A), located in coding exon 52 of the FBN1 gene, results from a G to A substitution at nucleotide position 6449. The arginine at codon 2150 is replaced by histidine, an amino acid with highly similar properties, and is located in the cbEGF-like #32 domain. This variant was detected in a proband with aortic dissection (Tan L et al. Hum. Mol. Genet., 2017 12;26:4814-4822), and in a proband with systemic connective tissue findings whose reportedly unaffected parent also had the variant (Overwater E et al. Hum. Mutat., 2018 Sep;39:1173-1192). A cysteine substitution at this codon (p.R2150C, c.6448C>T) was detected in an individual with some Marfan syndrome-like features who did not meet Ghent criteria (Turner CL et al. Am. J. Med. Genet. A, 2009 Feb;149A:161-70). This amino acid position is highly conserved in available vertebrate species. In addition, this alteration is predicted to be deleterious by in silico analysis. Since supporting evidence is limited at this time, the clinical significance of this alteration remains unclear.

Department of Laboratory Medicine and Genetics, Samsung Medical Center
Classification: Uncertain significance for Marfan syndrome. Last evaluated: 2025-01-02. Review status: no assertion criteria provided. Collection method: clinical testing. Allele origin: germline. Not counted in ClinVar's aggregate classification.
Comment: The NM_000138.5:c.6449G>A is considered to be not rare in the general population database (gnomAD v2.1.1). This variant is predicted to be deleterious by in-silico analysis (REVEL). This variant was found in a patient with suspected Marfan syndrome (PMID: 28973303; 29907982; 34498425). In summary, the available evidence is currently insufficient to evaluate the pathogenicity of this variant, resulting its classification as a variant of uncertain significance (PP2, PP3, PS4_P).

Literature cited by the submitters: PubMed 28973303 (cited by 4 submitters); PubMed 29907982 (cited by 4 submitters); PubMed 34498425 (cited by 3 submitters); PubMed 19161152 (cited by Ambry Genetics).

NM_000138.5(FBN1):c.6449G>A (p.Arg2150His)

Gene: FBN1 (fibrillin 1; minus strand). Cytogenetic location: 15q21.1.
Variant type: single nucleotide variant.
Coding change: c.6449G>A on transcript NM_000138.5 (MANE Select); coding-DNA position 6449, G replaced by A.
Protein change: p.Arg2150His; replaces arginine 2150 with histidine.
Molecular consequence: missense variant.
Genome position (GRCh38, 1-based): chr15:48,437,008, C>T on the plus strand (G>A on the coding strand, the complement: FBN1 is on the minus strand). VCF-style: chr15-48437008-C-T. GRCh37 (hg19) VCF-style: chr15-48729205-C-T.
Other names: c.6449G>A, p.Arg2150His (NM_001406716.1); short protein forms R2150H.
Identifiers: ClinVar variation 1753578 (VCV001753578.10), dbSNP rs794728250, ClinGen allele CA392336535.